The following is an entry in ClinVar:

NM_012244.4(SLC7A8):c.906C>A (p.Val302=)

Gene: SLC7A8 (solute carrier family 7 member 8; minus strand). Cytogenetic location: 14q11.2.
Variant type: single nucleotide variant.
Coding change: c.906C>A on transcript NM_012244.4 (MANE Select); coding-DNA position 906, C replaced by A.
Protein change: p.Val302=; no amino-acid change (valine 302 retained).
Molecular consequence: synonymous variant.
Genome position (GRCh38, 1-based): chr14:23,139,430, G>T on the plus strand (C>A on the coding strand, the complement: SLC7A8 is on the minus strand). VCF-style: chr14-23139430-G-T. GRCh37 (hg19) VCF-style: chr14-23608639-G-T.
Other names: c.591C>A, p.Val197= (NM_001267036.1); c.234C>A, p.Val78= (NM_001267037.2); c.297C>A, p.Val99= (NM_182728.3).
Identifiers: ClinVar variation 4986928 (VCV004986928.1).

ClinVar aggregate classification (germline): Likely benign (1 of 4 stars; one submission).

Conditions:
SLC7A8-related condition.

gnomAD v4.1: 1 of 1,614,000 alleles (0.000062%); highest among the groups gnomAD compares: Non-Finnish European, 0.000085%; no homozygotes.

Submission:

PreventionGenetics, part of Exact Sciences
Classification: Likely benign for SLC7A8-related condition. Last evaluated: 2025-04-22. Review status: criteria provided, single submitter. Criteria: ACMG Guidelines, 2015. Collection method: clinical testing. Allele origin: germline.
Comment: This variant is classified as likely benign based on ACMG/AMP sequence variant interpretation guidelines (Richards et al. 2015 PMID: 25741868, with internal and published modifications).